The following is an entry in ClinVar:

ClinVar aggregate classification (germline): Benign/Likely benign. Review status: criteria provided, multiple submitters, no conflicts (2 of 4 stars). 4 submissions from 4 submitters: Benign (2); Likely benign (2). Last evaluated 2026-01-27.

Allele frequency attached by ClinVar (database versions not stated): 1000 Genomes Project 30x 0.00047; TOPMed 0.00129; gnomAD 0.00151 and 0.00156; gnomAD exomes 0.00216 and 0.00247; ExAC 0.01344.

Submissions (4):

Labcorp Genetics (formerly Invitae), Labcorp
Classification: Benign. Last evaluated: 2026-01-27. Review status: criteria provided, single submitter. Criteria: Invitae Variant Classification Sherloc (09022015). Collection method: clinical testing. Allele origin: germline.

CeGaT Center for Human Genetics Tuebingen
Classification: Likely benign. Last evaluated: 2025-06-01. Review status: criteria provided, single submitter. Criteria: CeGaT Center For Human Genetics Tuebingen Variant Classification Criteria Version 2. Collection method: clinical testing. Allele origin: germline. Affected: yes. Observed: 5 variant alleles.
Comment: IRF2BP2: BP4, BP7, BS1

Blueprint Genetics
Classification: Likely benign. Last evaluated: 2024-11-14. Review status: criteria provided, single submitter. Criteria: ACMG Guidelines, 2015. Collection method: clinical testing. Allele origin: germline.

Breakthrough Genomics
Classification: Benign. Review status: criteria provided, single submitter. Criteria: ACMG Guidelines, 2015. Collection method: not provided. Allele origin: germline. Inheritance: Autosomal dominant inheritance. Affected: yes.

NM_182972.3(IRF2BP2):c.597G>A (p.Leu199=)

Genes: IRF2BP2 (interferon regulatory factor 2 binding protein 2; minus strand), LOC129932811 (ATAC-STARR-seq lymphoblastoid silent region 1976; plus strand). Cytogenetic location: 1q42.3.
Variant type: single nucleotide variant.
Coding change: c.597G>A on transcript NM_182972.3 (MANE Select); coding-DNA position 597, G replaced by A.
Protein change: p.Leu199=; no amino-acid change (leucine 199 retained).
Molecular consequence: synonymous variant.
Genome position (GRCh38, 1-based): chr1:234,608,898, C>T on the plus strand (G>A on the coding strand, the complement: IRF2BP2 is on the minus strand). VCF-style: chr1-234608898-C-T. GRCh37 (hg19) VCF-style: chr1-234744644-C-T.
Other names: c.597G>A, p.Leu199= (NM_001077397.1).
Identifiers: ClinVar variation 1168818 (VCV001168818.33), dbSNP rs759578860, ClinGen allele CA1461803.